The following is an entry in ClinVar:

ClinVar aggregate classification (germline): Pathogenic. Review status: criteria provided, multiple submitters, no conflicts (2 of 4 stars). 2 submissions from 2 submitters: Pathogenic (2). Last evaluated 2025-03-31.

Conditions:
Hereditary cancer-predisposing syndrome. Also called: Hereditary neoplastic syndrome; Neoplastic Syndromes, Hereditary; Tumor predisposition; Hereditary Cancer Syndrome. Identifiers: Orphanet 140162, MedGen C0027672, MeSH D009386, MONDO:0015356.
Familial cancer of breast. Also called: Hereditary breast cancer; hereditary breast carcinoma; BREAST CANCER, FAMILIAL. Identifiers: Orphanet 227535, MedGen C0346153, MONDO:0016419, OMIM 114480. Disease mechanism: loss of function.

Submissions (2):

Myriad Genetics, Inc.
Classification: Pathogenic for Familial cancer of breast. Last evaluated: 2025-03-31. Review status: criteria provided, single submitter. Criteria: Myriad Autosomal Dominant, Autosomal Recessive and X-Linked Classification Criteria (2023). Collection method: clinical testing. Allele origin: unknown.
Comment: This variant is considered pathogenic. This variant creates a frameshift predicted to result in premature protein truncation.

Ambry Genetics
Classification: Pathogenic for Hereditary cancer-predisposing syndrome. Last evaluated: 2024-05-29. Review status: criteria provided, single submitter. Criteria: Ambry Variant Classification Scheme 2023. Collection method: clinical testing. Allele origin: germline.
Comment: The c.8626_8627dupAT pathogenic mutation, located in coding exon 58 of the ATM gene, results from a duplication of AT at nucleotide position 8626, causing a translational frameshift with a predicted alternate stop codon (p.L2877Sfs*2). This variant is considered to be rare based on population cohorts in the Genome Aggregation Database (gnomAD). This alteration is expected to result in loss of function by premature protein truncation or nonsense-mediated mRNA decay. As such, this alteration is interpreted as a disease-causing mutation.

NM_000051.4(ATM):c.8626_8627dup (p.Leu2877fs)

Genes: ATM (ATM serine/threonine kinase; plus strand), C11orf65 (chromosome 11 open reading frame 65; minus strand). Cytogenetic location: 11q22.3.
Variant type: Microsatellite.
Coding change: c.8626_8627dup on transcript NM_000051.4 (MANE Select); coding-DNA positions 8626 to 8627, 2 bases duplicated (AT; older notation c.8626_8627dupAT).
Protein change: p.Leu2877fs; shifts the reading frame from leucine 2877.
Molecular consequence: frameshift variant. On other transcripts: intron variant (2).
Genome position (GRCh38, 1-based): chr11:108,347,320-108,347,321, AT duplicated; duplicating any 2 consecutive bases within chr11:108,347,318-108,347,321 gives the same sequence; the c. name uses the placement nearest the transcript's 3' end. VCF-style (leftmost placement, unchanged base first): chr11-108347317-A-AAT. GRCh37 (hg19) VCF-style: chr11-108218044-A-AAT.
Other names: c.8626_8627dup, p.Leu2877fs (NM_001351834.2); c.641-38250AT[3] (NM_001330368.2); c.695-12029AT[3] (NM_001351110.2); c.8626_8627dupAT (NM_000051.3); short protein forms L2877fs.
Identifiers: ClinVar variation 1764081 (VCV001764081.4), dbSNP rs2547461509, ClinGen allele CA2580615052.